The following is an entry in ClinVar:

ClinVar aggregate classification (germline): Uncertain significance (1 of 4 stars; one submission).

Conditions:
LAMA2-related muscular dystrophy (LAMA2-RD). Also called: Laminin alpha 2-related dystrophy. Identifiers: MedGen C5679788, MONDO:0100228.

Submission:

Labcorp Genetics (formerly Invitae), Labcorp
Classification: Uncertain significance for LAMA2-related muscular dystrophy. Last evaluated: 2024-12-16. Review status: criteria provided, single submitter. Criteria: Invitae Variant Classification Sherloc (09022015). Collection method: clinical testing. Allele origin: germline.
Comment: This sequence change falls in intron 8 of the LAMA2 gene. It does not directly change the encoded amino acid sequence of the LAMA2 protein. It affects a nucleotide within the consensus splice site. This variant is not present in population databases (gnomAD no frequency). This variant has not been reported in the literature in individuals affected with LAMA2-related conditions. Variants that disrupt the consensus splice site are a relatively common cause of aberrant splicing (PMID: 17576681, 9536098). Algorithms developed to predict the effect of sequence changes on RNA splicing suggest that this variant is not likely to affect RNA splicing. In summary, the available evidence is currently insufficient to determine the role of this variant in disease. Therefore, it has been classified as a Variant of Uncertain Significance.

Literature cited by the submitters: PubMed 17576681; PubMed 9536098.

NM_000426.4(LAMA2):c.1206+6_1206+10del

Gene: LAMA2 (laminin subunit alpha 2; plus strand). Cytogenetic location: 6q22.33.
Variant type: Deletion.
Coding change: c.1206+6_1206+10del on transcript NM_000426.4 (MANE Select); bases 6 to 10 of the intron after coding-DNA position 1206, 5 bases deleted (GTATG; older notation c.1206+6_1206+10delGTATG).
Molecular consequence: intron variant.
Genome position (GRCh38, 1-based): chr6:129,154,689-129,154,693, GTATG deleted. VCF-style (leftmost placement, unchanged base first): chr6-129154688-AGTATG-A. GRCh37 (hg19) VCF-style: chr6-129475833-AGTATG-A.
Other names: c.1206+6_1206+10del (NM_001079823.2).
Identifiers: ClinVar variation 3662884 (VCV003662884.2).
Genomic context (GRCh38, chr6:129,154,688, plus strand): 5'-ACACTGCTGGTATAAACTGCGAGACATGTACTGATGGCTTCTTCAGACCCAAAGGGGTAA[AGTATG>A]CTTTTTCTTTCATAAAGAGTTATTTTTTTGCTTTTTCATACAAAAATGTTTTATACAAAA-3'